The following is an entry in ClinVar:

ClinVar aggregate classification (germline): Conflicting classifications of pathogenicity. Review status: criteria provided, conflicting classifications (1 of 4 stars). 3 submissions from 3 submitters: Uncertain significance (2); Likely benign (1). Last evaluated 2023-06-01.

Conditions:
Neurofibromatosis, type 2 (SWNV). Also called: NF2-Related Schwannomatosis; BILATERAL ACOUSTIC NEUROFIBROMATOSIS; SCHWANNOMATOSIS, VESTIBULAR. Identifiers: Orphanet 637, MedGen C0027832, MONDO:0007039, OMIM 101000. Disease mechanism: loss of function.
Familial meningioma. Also called: Meningioma, familial, susceptibility to. Identifiers: Orphanet 263662, MedGen C3551915, MONDO:0011789, OMIM 607174.
SMARCB1-related schwannomatosis. Also called: Schwannomatosis 1; SWNTS1. Identifiers: Orphanet 93921, MedGen C4048809, MONDO:0024517, OMIM 162091. Disease mechanism: loss of function.

Allele frequency attached by ClinVar (database versions not stated): 1000 Genomes Project 0.00060; 1000 Genomes Project 30x 0.00078; gnomAD 0.00214 and 0.00217; TOPMed 0.00224; gnomAD exomes 0.00263.
gnomAD v4.1: 1,111 of 453,360 alleles (0.25%); highest among the groups gnomAD compares: Non-Finnish European, 0.34%; 2 homozygotes.

Submissions (3):

CeGaT Center for Human Genetics Tuebingen
Classification: Likely benign. Last evaluated: 2023-06-01. Review status: criteria provided, single submitter. Criteria: CeGaT Center For Human Genetics Tuebingen Variant Classification Criteria Version 2. Collection method: clinical testing. Allele origin: germline. Affected: yes. Observed: 7 variant alleles.
Comment: NF2: BS1

Fulgent Genetics
Classification: Uncertain significance for Neurofibromatosis, type 2; SMARCB1-related schwannomatosis; Familial meningioma. Last evaluated: 2021-07-26. Review status: criteria provided, single submitter. Criteria: ACMG Guidelines, 2015. Collection method: clinical testing. Allele origin: unknown.

Illumina Laboratory Services, Illumina
Classification: Uncertain significance for Neurofibromatosis, type 2. Last evaluated: 2018-01-13. Review status: criteria provided, single submitter. Criteria: ICSL Variant Classification Criteria 13 December 2019. Collection method: clinical testing. Allele origin: germline.

NM_000268.4(NF2):c.*359G>A

Gene: NF2 (NF2, moesin-ezrin-radixin like (MERLIN) tumor suppressor; plus strand). Cytogenetic location: 22q12.2.
Variant type: single nucleotide variant.
Coding change: c.*359G>A on transcript NM_000268.4 (MANE Select); 359 bases downstream of the stop codon, G replaced by A.
Molecular consequence: 3 prime UTR variant. On other transcripts: non-coding transcript variant (1).
Genome position (GRCh38, 1-based): chr22:29,695,161, G>A. VCF-style: chr22-29695161-G-A. GRCh37 (hg19) VCF-style: chr22-30091150-G-A.
Other names: c.*419G>A (NM_016418.5, NM_181828.3, NM_181829.3 and 1 more transcripts); c.*434G>A (NM_181832.3); c.*359G>A (NM_181833.3).
Identifiers: ClinVar variation 341086 (VCV000341086.34), dbSNP rs572307337, ClinGen allele CA10645249.